The following is an entry in ClinVar:

ClinVar aggregate classification (germline): Likely benign. Review status: criteria provided, multiple submitters, no conflicts (2 of 4 stars). 2 submissions from 2 submitters: Likely benign (2). Last evaluated 2026-09-01.

Conditions:
Developmental and epileptic encephalopathy, 36 (DEE36). Also called: ALG13-CDG; Congenital disorder of glycosylation, type Is; Epileptic encephalopathy, early infantile, 36. Identifiers: Orphanet 324422, MedGen C4317295, MONDO:0010472, OMIM 300884.

Allele frequency attached by ClinVar (database versions not stated): gnomAD exomes 0.00003; gnomAD 0.00004 and 0.00005; ExAC 0.00018.

Submissions (2):

CeGaT Center for Human Genetics Tuebingen
Classification: Likely benign. Last evaluated: 2026-09-01. Review status: criteria provided, single submitter. Criteria: CeGaT Center For Human Genetics Tuebingen Variant Classification Criteria Version 2. Collection method: clinical testing. Allele origin: germline. Affected: yes. Observed: 5 variant alleles.
Comment: ALG13: BP4, BP7

Labcorp Genetics (formerly Invitae), Labcorp
Classification: Likely benign for Developmental and epileptic encephalopathy, 36. Last evaluated: 2025-11-27. Review status: criteria provided, single submitter. Criteria: Invitae Variant Classification Sherloc (09022015). Collection method: clinical testing. Allele origin: germline.

NM_001099922.3(ALG13):c.2805T>A (p.Pro935=)

Gene: ALG13 (ALG13 UDP-N-acetylglucosaminyltransferase subunit; plus strand). Cytogenetic location: Xq23.
Variant type: single nucleotide variant.
Coding change: c.2805T>A on transcript NM_001099922.3 (MANE Select); coding-DNA position 2805, T replaced by A.
Protein change: p.Pro935=; no amino-acid change (proline 935 retained).
Molecular consequence: synonymous variant. On other transcripts: intron variant (5).
Genome position (GRCh38, 1-based): chrX:111,744,777, T>A. VCF-style: chrX-111744777-T-A. GRCh37 (hg19) VCF-style: chrX-110988005-T-A.
Other names: c.2571T>A, p.Pro857= (NM_001257231.2); c.2383+7898T>A (NM_001257237.2, NM_001257234.2, NM_001257230.2); c.2209+7898T>A (NM_001324293.1); c.2695+7898T>A (NM_001324292.2).
Identifiers: ClinVar variation 1669008 (VCV001669008.32), dbSNP rs754346057, ClinGen allele CA10493985.